The following is an entry in ClinVar:

ClinVar aggregate classification (germline): Uncertain significance (1 of 4 stars; one submission).

Submission:

Labcorp Genetics (formerly Invitae), Labcorp
Classification: Uncertain significance. Last evaluated: 2024-11-23. Review status: criteria provided, single submitter. Criteria: Invitae Variant Classification Sherloc (09022015). Collection method: clinical testing. Allele origin: germline.
Comment: This sequence change replaces phenylalanine, which is neutral and non-polar, with leucine, which is neutral and non-polar, at codon 276 of the GPR45 protein (p.Phe276Leu). This variant is not present in population databases (gnomAD no frequency). This variant has not been reported in the literature in individuals affected with GPR45-related conditions. An algorithm developed to predict the effect of missense changes on protein structure and function (PolyPhen-2) suggests that this variant is likely to be disruptive. In summary, the available evidence is currently insufficient to determine the role of this variant in disease. Therefore, it has been classified as a Variant of Uncertain Significance.

NM_007227.3(GPR45):c.826T>C (p.Phe276Leu)

Gene: GPR45 (G protein-coupled receptor 45; plus strand). Cytogenetic location: 2q12.1.
Variant type: single nucleotide variant.
Coding change: c.826T>C on transcript NM_007227.3 (MANE Select); coding-DNA position 826, T replaced by C.
Protein change: p.Phe276Leu; replaces phenylalanine 276 with leucine.
Molecular consequence: missense variant.
Genome position (GRCh38, 1-based): chr2:105,242,684, T>C. VCF-style: chr2-105242684-T-C. GRCh37 (hg19) VCF-style: chr2-105859141-T-C.
Other names: short protein forms F276L.
Identifiers: ClinVar variation 3610260 (VCV003610260.2).